The following is an entry in ClinVar:

ClinVar aggregate classification (germline): Pathogenic (1 of 4 stars; one submission).

Conditions:
Familial adenomatous polyposis 1 (FAP1). Also called: FAMILIAL ADENOMATOUS POLYPOSIS 1, ATTENUATED; POLYPOSIS, ADENOMATOUS INTESTINAL. Identifiers: MedGen C2713442, MONDO:0021056, OMIM 175100. Disease mechanism: loss of function.

Submission:

Myriad Genetics, Inc.
Classification: Pathogenic for Familial adenomatous polyposis 1. Last evaluated: 2023-05-09. Review status: criteria provided, single submitter. Criteria: Myriad Autosomal Dominant, Autosomal Recessive and X-Linked Classification Criteria (2023). Collection method: clinical testing. Allele origin: unknown.
Comment: This variant is considered pathogenic. This variant creates a frameshift predicted to result in premature protein truncation.

NM_000038.6(APC):c.3539_3548del (p.Ser1180fs)

Gene: APC (APC regulator of Wnt signaling pathway; plus strand). Cytogenetic location: 5q22.2.
Variant type: Deletion.
Coding change: c.3539_3548del on transcript NM_000038.6 (MANE Select); coding-DNA positions 3539 to 3548, 10 bases deleted (GTTTAAAATA; older notation c.3539_3548delGTTTAAAATA).
Protein change: p.Ser1180fs; shifts the reading frame from serine 1180.
Molecular consequence: frameshift variant. On other transcripts: non-coding transcript variant (2).
Genome position (GRCh38, 1-based): chr5:112,839,133-112,839,142, GTTTAAAATA deleted; deleting any 10 consecutive bases within chr5:112,839,130-112,839,142 gives the same sequence; the c. name uses the placement nearest the transcript's 3' end. VCF-style (leftmost placement, unchanged base first): chr5-112839129-TATAGTTTAAA-T. GRCh37 (hg19) VCF-style: chr5-112174826-TATAGTTTAAA-T.
Other names: c.3539_3548del, p.Ser1180fs (NM_001127510.3, NM_001354895.2, NM_001407450.1); c.3485_3494del, p.Ser1162fs (NM_001127511.3); c.3593_3602del, p.Ser1198fs (NM_001354896.2, NM_001407447.1, NM_001407448.1 and 1 more transcripts); c.3569_3578del, p.Ser1190fs (NM_001354897.2); c.3464_3473del, p.Ser1155fs (NM_001354898.2); c.3455_3464del, p.Ser1152fs (NM_001354899.2); c.3416_3425del, p.Ser1139fs (NM_001354900.2); c.3362_3371del, p.Ser1121fs (NM_001354901.2, NM_001407453.1); and 11 more; short protein forms S1020fs, S1051fs, S1054fs, S1079fs, S1089fs, S1097fs, S1121fs, S1139fs.
Identifiers: ClinVar variation 2584324 (VCV002584324.1), dbSNP rs2533506131, ClinGen allele CA2582341519.